The following is an entry in ClinVar:

ClinVar aggregate classification (germline): Benign (1 of 4 stars; one submission).

Submission:

GeneDx
Classification: Benign. Last evaluated: 2014-05-12. Review status: criteria provided, single submitter. Criteria: GeneDx Variant Classification (06012015). Collection method: clinical testing. Allele origin: germline. Affected: yes.
Comment: This variant is considered likely benign or benign based on one or more of the following criteria: it is a conservative change, it occurs at a poorly conserved position in the protein, it is predicted to be benign by multiple in silico algorithms, and/or has population frequency not consistent with disease.

NM_001267550.2(TTN):c.30511+19A>G

Gene: TTN (titin; minus strand). Cytogenetic location: 2q31.2.
Variant type: single nucleotide variant.
Coding change: c.30511+19A>G on transcript NM_001267550.2 (MANE Select); 19 bases into the intron after coding-DNA position 30511, A replaced by G.
Molecular consequence: intron variant.
Genome position (GRCh38, 1-based): chr2:178,702,149, T>C on the plus strand (A>G on the coding strand, the complement: TTN is on the minus strand). VCF-style: chr2-178702149-T-C. GRCh37 (hg19) VCF-style: chr2-179566876-T-C.
Other names: c.13282+35933A>G (NM_003319.4); c.13858+35933A>G (NM_133437.4); c.13657+35933A>G (NM_133432.3); c.26779+19A>G (NM_133378.4); c.29560+19A>G (NM_001256850.1).
Identifiers: ClinVar variation 137777 (VCV000137777.3), dbSNP rs587780976, ClinGen allele CA291435.